The following is an entry in ClinVar:

NM_005618.4(DLL1):c.821G>A (p.Cys274Tyr)

Gene: DLL1 (delta like canonical Notch ligand 1; minus strand). Cytogenetic location: 6q27.
Variant type: single nucleotide variant.
Coding change: c.821G>A on transcript NM_005618.4 (MANE Select); coding-DNA position 821, G replaced by A.
Protein change: p.Cys274Tyr; replaces cysteine 274 with tyrosine.
Molecular consequence: missense variant.
Genome position (GRCh38, 1-based): chr6:170,285,610, C>T on the plus strand (G>A on the coding strand, the complement: DLL1 is on the minus strand). VCF-style: chr6-170285610-C-T. GRCh37 (hg19) VCF-style: chr6-170594698-C-T.
Other names: short protein forms C274Y.
Identifiers: ClinVar variation 3602390 (VCV003602390.3).

ClinVar aggregate classification (germline): Uncertain significance. Review status: criteria provided, multiple submitters, no conflicts (2 of 4 stars). 2 submissions from 2 submitters: Uncertain significance (2). Last evaluated 2024-07-31.

Submissions (2):

GeneDx
Classification: Uncertain significance. Last evaluated: 2024-07-31. Review status: criteria provided, single submitter. Criteria: GeneDx Variant Classification Process June 2021. Collection method: clinical testing. Allele origin: germline. Affected: yes.
Comment: Not observed at significant frequency in large population cohorts (gnomAD); In silico analysis supports that this missense variant has a deleterious effect on protein structure/function; Has not been previously published as pathogenic or benign to our knowledge

Labcorp Genetics (formerly Invitae), Labcorp
Classification: Uncertain significance. Last evaluated: 2024-02-02. Review status: criteria provided, single submitter. Criteria: Invitae Variant Classification Sherloc (09022015). Collection method: clinical testing. Allele origin: germline.
Comment: This sequence change replaces cysteine, which is neutral and slightly polar, with tyrosine, which is neutral and polar, at codon 274 of the DLL1 protein (p.Cys274Tyr). This variant is not present in population databases (gnomAD no frequency). This variant has not been reported in the literature in individuals affected with DLL1-related conditions. An algorithm developed to predict the effect of missense changes on protein structure and function (PolyPhen-2) suggests that this variant is likely to be disruptive. In summary, the available evidence is currently insufficient to determine the role of this variant in disease. Therefore, it has been classified as a Variant of Uncertain Significance.